The following is an entry in ClinVar:

ClinVar aggregate classification (germline): Uncertain significance. Review status: criteria provided, multiple submitters, no conflicts (2 of 4 stars). 3 submissions from 3 submitters: Uncertain significance (3). Last evaluated 2023-08-02.

Conditions:
Leber congenital amaurosis 3 (LCA3). Also called: SPATA7-Related Retinitis Pigmentosa. Identifiers: MedGen C1858677, MONDO:0011415, OMIM 604232.
Inborn genetic diseases. Identifiers: MedGen C0950123, MeSH D030342.

Allele frequency attached by ClinVar (database versions not stated): gnomAD exomes below 0.00001; ExAC 0.00001; TOPMed 0.00002; gnomAD 0.00003 and 0.00004.
gnomAD v4.1: 22 of 1,613,884 alleles (0.0014%); highest among the groups gnomAD compares: African/African-American, 0.011%; no homozygotes.

Submissions (3):

Ambry Genetics
Classification: Uncertain significance for Inborn genetic diseases. Last evaluated: 2023-08-02. Review status: criteria provided, single submitter. Criteria: Ambry Variant Classification Scheme 2023. Collection method: clinical testing. Allele origin: germline.

Labcorp Genetics (formerly Invitae), Labcorp
Classification: Uncertain significance for Leber congenital amaurosis 3. Last evaluated: 2022-08-15. Review status: criteria provided, single submitter. Criteria: Invitae Variant Classification Sherloc (09022015). Collection method: clinical testing. Allele origin: germline.
Comment: This sequence change replaces arginine, which is basic and polar, with histidine, which is basic and polar, at codon 243 of the SPATA7 protein (p.Arg243His). This variant is present in population databases (rs765697401, gnomAD 0.008%). This variant has not been reported in the literature in individuals affected with SPATA7-related conditions. ClinVar contains an entry for this variant (Variation ID: 1035924). Algorithms developed to predict the effect of missense changes on protein structure and function are either unavailable or do not agree on the potential impact of this missense change (SIFT: "Deleterious"; PolyPhen-2: "Probably Damaging"; Align-GVGD: "Class C0"). In summary, the available evidence is currently insufficient to determine the role of this variant in disease. Therefore, it has been classified as a Variant of Uncertain Significance.

Blueprint Genetics
Classification: Uncertain significance. Last evaluated: 2022-05-03. Review status: criteria provided, single submitter. Criteria: ACMG Guidelines, 2015. Collection method: clinical testing. Allele origin: germline.

NM_018418.5(SPATA7):c.728G>A (p.Arg243His)

Gene: SPATA7 (spermatogenesis associated 7; plus strand). Cytogenetic location: 14q31.3.
Variant type: single nucleotide variant.
Coding change: c.728G>A on transcript NM_018418.5 (MANE Select); coding-DNA position 728, G replaced by A.
Protein change: p.Arg243His; replaces arginine 243 with histidine.
Molecular consequence: missense variant.
Genome position (GRCh38, 1-based): chr14:88,426,587, G>A. VCF-style: chr14-88426587-G-A. GRCh37 (hg19) VCF-style: chr14-88892931-G-A.
Other names: c.632G>A, p.Arg211His (NM_001040428.4); c.728G>A (NM_018418.4); short protein forms R211H, R243H.
Identifiers: ClinVar variation 1035924 (VCV001035924.8), dbSNP rs765697401, ClinGen allele CA7298583.